The following is an entry in ClinVar:

NM_000535.7(PMS2):c.353+4A>G

Gene: PMS2 (PMS1 homolog 2, mismatch repair system component; minus strand). Cytogenetic location: 7p22.1.
Variant type: single nucleotide variant.
Coding change: c.353+4A>G on transcript NM_000535.7 (MANE Select); 4 bases into the intron after coding-DNA position 353, A replaced by G.
Molecular consequence: intron variant.
Genome position (GRCh38, 1-based): chr7:6,003,686, T>C on the plus strand (A>G on the coding strand, the complement: PMS2 is on the minus strand). VCF-style: chr7-6003686-T-C. GRCh37 (hg19) VCF-style: chr7-6043317-T-C.
Other names: c.35+286A>G (NM_001322008.2, NM_001322007.2); c.-53+4A>G (NM_001322010.2, NM_001322004.2, NM_001322013.2 and 3 more transcripts); c.-532+4A>G (NM_001322012.2, NM_001322011.2); c.-132+4A>G (NM_001322015.2); c.353+4A>G (NM_001322006.2, NM_001322014.2).
Identifiers: ClinVar variation 230211 (VCV000230211.32), dbSNP rs760538709, ClinGen allele CA049399.

ClinVar aggregate classification (germline): Uncertain significance. Review status: criteria provided, multiple submitters, no conflicts (2 of 4 stars). 11 submissions from 11 submitters: Uncertain significance (11). Last evaluated 2026-08-04.

Conditions:
Hereditary cancer-predisposing syndrome. Also called: Tumor predisposition; Hereditary neoplastic syndrome; Neoplastic Syndromes, Hereditary; Hereditary Cancer Syndrome. Identifiers: Orphanet 140162, MedGen C0027672, MeSH D009386, MONDO:0015356.
Lynch syndrome 4 (LYNCH4). Also called: Hereditary non-polyposis colorectal cancer, type 4; Colorectal cancer, hereditary nonpolyposis, type 4. Identifiers: Orphanet 144, MedGen C1838333, MONDO:0013699, OMIM 614337. Disease mechanism: loss of function.
Lynch syndrome. Identifiers: Orphanet 144, MedGen C4552100, MONDO:0005835. Disease mechanism: loss of function.
Inherited polyposis and early onset colorectal cancer - germline testing.
Hereditary nonpolyposis colorectal neoplasms. Identifiers: MedGen C0009405, MeSH D003123.
Mismatch repair cancer syndrome 1 (MMRCS1). Also called: BRAIN TUMOR-POLYPOSIS SYNDROME 1; BTP1 SYNDROME; CHILDHOOD CANCER SYNDROME; MISMATCH REPAIR DEFICIENCY; MMR DEFICIENCY. Identifiers: Orphanet 252202, MedGen C5399763, MONDO:0010159, OMIM 276300. Disease mechanism: loss of function.

Allele frequency attached by ClinVar (database versions not stated): gnomAD exomes below 0.00001 and 0.00004; gnomAD 0.00001; TOPMed 0.00001; ExAC 0.00001.
gnomAD v4.1: 52 of 1,510,280 alleles (0.0034%); highest among the groups gnomAD compares: Non-Finnish European, 0.0045%; no homozygotes.

Submissions (11):

Genomics and Molecular Medicine Service, East Genomic Laboratory Hub, NHS Genomic Medicine Service
Classification: Uncertain significance for Inherited polyposis and early onset colorectal cancer - germline testing. Last evaluated: 2026-08-04. Review status: criteria provided, single submitter. Criteria: ACGS Best Practice Guidelines for Variant Classification in Rare Disease 2020. Collection method: clinical testing. Allele origin: germline. Affected: yes.

Labcorp Genetics (formerly Invitae), Labcorp
Classification: Uncertain significance for Hereditary nonpolyposis colorectal neoplasms. Last evaluated: 2026-01-07. Review status: criteria provided, single submitter. Criteria: Invitae Variant Classification Sherloc (09022015). Collection method: clinical testing. Allele origin: germline.
Comment: This sequence change falls in intron 4 of the PMS2 gene. It does not directly change the encoded amino acid sequence of the PMS2 protein. It affects a nucleotide within the consensus splice site. This variant is present in population databases (rs760538709, gnomAD 0.0009%). This variant has been observed in individual(s) with breast cancer (PMID: 38311346). ClinVar contains an entry for this variant (Variation ID: 230211). Variants that disrupt the consensus splice site are a relatively common cause of aberrant splicing (PMID: 17576681, 9536098). Studies have shown this variant is associated with skipping of exon 4, but one or more of the resulting mRNA isoform(s) may be naturally occurring (PMID: 31332305, 38311346; internal data). In summary, the available evidence is currently insufficient to determine the role of this variant in disease. Therefore, it has been classified as a Variant of Uncertain Significance.

GeneDx
Classification: Uncertain significance. Last evaluated: 2025-04-18. Review status: criteria provided, single submitter. Criteria: GeneDx Variant Classification Process June 2021. Collection method: clinical testing. Allele origin: germline. Affected: yes.
Comment: Not observed at significant frequency in large population cohorts (gnomAD); In silico analysis supports a deleterious effect on splicing; RNA studies demonstrate aberrant splicing, resulting in the majority full-length transcript, and a minor amount of out-of-frame exon 4 skipping (PMID: 38311346); This variant is associated with the following publications: (PMID: 31332305, 38311346)

Ambry Genetics
Classification: Uncertain significance for Hereditary cancer-predisposing syndrome. Last evaluated: 2025-03-17. Review status: criteria provided, single submitter. Criteria: Ambry Variant Classification Scheme 2023. Collection method: clinical testing. Allele origin: germline.
Comment: The c.353+4A>G intronic variant results from an A to G substitution 4 nucleotides after coding exon 4 in the PMS2 gene. This nucleotide position is highly conserved in available vertebrate species. In silico splice site analysis predicts that this alteration may weaken the native splice donor site. RNA studies have demonstrated that this alteration results in an incomplete splice defect; the clinical impact of this abnormal splicing is unknown at this time (Ambry internal data). Since supporting evidence is limited at this time, the clinical significance of this alteration remains unclear.

All of Us Research Program, National Institutes of Health
Classification: Uncertain significance for Lynch syndrome. Last evaluated: 2024-06-09. Review status: criteria provided, single submitter. Criteria: ACMG Guidelines, 2015. Collection method: clinical testing. Allele origin: germline. Inheritance: Autosomal dominant inheritance. Observed: 6 variant alleles, 6 heterozygotes.
Comment: This variant causes an A to G nucleotide substitution at the +4 position of intron 4 of the PMS2 gene. Splice site prediction tools predict that this variant may have a significant impact on RNA splicing. To our knowledge, functional studies have not been reported for this variant. This variant has not been reported in individuals affected with PMS2-related disorders in the literature. This variant has been identified in 1/234646 chromosomes in the general population by the Genome Aggregation Database (gnomAD). The available evidence is insufficient to determine the role of this variant in disease conclusively. Therefore, this variant is classified as a Variant of Uncertain Significance.

This study involves interpretation of variants in research participants for the purpose of population health screening. Participant phenotype was not available at the time of variant classification. Additional details can be found in publication PMID: 35346344, PMCID: PMC8962531

Institute for Biomarker Research, Medical Diagnostic Laboratories, L.L.C.
Classification: Uncertain significance for Hereditary cancer-predisposing syndrome. Last evaluated: 2024-02-20. Review status: criteria provided, single submitter. Criteria: ACMG Guidelines, 2015. Collection method: clinical testing. Allele origin: germline.

Color Diagnostics, LLC DBA Color Health
Classification: Uncertain significance for Hereditary cancer-predisposing syndrome. Last evaluated: 2024-01-04. Review status: criteria provided, single submitter. Criteria: ACMG Guidelines, 2015. Collection method: clinical testing. Allele origin: germline.
Comment: This variant causes an A to G nucleotide substitution at the +4 position of intron 4 of the PMS2 gene. Splice site prediction tools predict that this variant may have a significant impact on RNA splicing. To our knowledge, functional studies have not been reported for this variant. This variant has not been reported in individuals affected with PMS2-related disorders in the literature. This variant has been identified in 1/234646 chromosomes in the general population by the Genome Aggregation Database (gnomAD). The available evidence is insufficient to determine the role of this variant in disease conclusively. Therefore, this variant is classified as a Variant of Uncertain Significance.

Baylor Genetics
Classification: Uncertain significance for Lynch syndrome 4. Last evaluated: 2023-10-25. Review status: criteria provided, single submitter. Criteria: ACMG Guidelines, 2015. Collection method: clinical testing. Allele origin: unknown.

Department of Pathology and Laboratory Medicine, Sinai Health System
Classification: Uncertain significance for mismatch repair cancer syndrome 1. Last evaluated: 2022-11-25. Review status: criteria provided, single submitter. Criteria: ACMG Guidelines, 2015. Collection method: clinical testing. Allele origin: germline. Affected: yes.

Sema4
Classification: Uncertain significance for Hereditary cancer-predisposing syndrome. Last evaluated: 2021-05-10. Review status: criteria provided, single submitter. Criteria: Sema4 Curation Guidelines. Collection method: curation. Allele origin: germline.
Comment: The PMS2 c.353+4A>G variant has been reported in heterozygosity in at least one individual with colorectal cancer (PMID: 31992580). The colorectal cancer specimen was MSI-High and showed loss of PMS2 on IHC. This variant was observed in 1/108862 chromosomes in the Non-Finnish European population according to the Genome Aggregation Database (PMID: 32461654). This variant has been reported in ClinVar (Variation ID: 230211). In silico tools suggest the variant may have an impact on splicing, though these predictions have not been confirmed by functional studies. Based on the current evidence available, this variant is interpreted as a variant of uncertain significance.

Illumina Laboratory Services, Illumina
Classification: Uncertain significance for Lynch syndrome 4. Last evaluated: 2018-01-12. Review status: criteria provided, single submitter. Criteria: ICSL Variant Classification Criteria 13 December 2019. Collection method: clinical testing. Allele origin: germline.

Literature cited by the submitters: PubMed 38311346 (cited by Labcorp Genetics (formerly Invitae), Labcorp); PubMed 17576681 (cited by Labcorp Genetics (formerly Invitae), Labcorp); PubMed 9536098 (cited by Labcorp Genetics (formerly Invitae), Labcorp); PubMed 31332305 (cited by Labcorp Genetics (formerly Invitae), Labcorp); PubMed 31992580 (cited by Sema4).